The following is an entry in ClinVar:

ClinVar aggregate classification (germline): Uncertain significance. Review status: criteria provided, multiple submitters, no conflicts (2 of 4 stars). 3 submissions from 3 submitters: Uncertain significance (3). Last evaluated 2025-09-16.

Conditions:
Hereditary cancer-predisposing syndrome. Also called: Tumor predisposition; Hereditary neoplastic syndrome; Neoplastic Syndromes, Hereditary; Hereditary Cancer Syndrome. Identifiers: Orphanet 140162, MedGen C0027672, MeSH D009386, MONDO:0015356.
Parathyroid carcinoma (PRTC). Also called: Parathyroid gland carcinoma; CDC73-Related Parathyroid Carcinoma. Identifiers: Orphanet 143, MedGen C0687150, MONDO:0012004, OMIM 608266, HP:0006780.

Allele frequency attached by ClinVar (database versions not stated): TOPMed below 0.00001.
gnomAD v4.1: 4 of 1,614,008 alleles (0.00025%); highest among the groups gnomAD compares: Non-Finnish European, 0.00034%; no homozygotes.

Submissions (3):

Labcorp Genetics (formerly Invitae), Labcorp
Classification: Uncertain significance for Parathyroid carcinoma. Last evaluated: 2025-09-16. Review status: criteria provided, single submitter. Criteria: Invitae Variant Classification Sherloc (09022015). Collection method: clinical testing. Allele origin: germline.
Comment: This sequence change replaces glutamine, which is neutral and polar, with leucine, which is neutral and non-polar, at codon 395 of the CDC73 protein (p.Gln395Leu). This variant is not present in population databases (gnomAD no frequency). This variant has not been reported in the literature in individuals affected with CDC73-related conditions. ClinVar contains an entry for this variant (Variation ID: 1404220). Invitae Evidence Modeling of protein sequence and biophysical properties (such as structural, functional, and spatial information, amino acid conservation, physicochemical variation, residue mobility, and thermodynamic stability) indicates that this missense variant is not expected to disrupt CDC73 protein function with a negative predictive value of 80%. In summary, the available evidence is currently insufficient to determine the role of this variant in disease. Therefore, it has been classified as a Variant of Uncertain Significance.

Ambry Genetics
Classification: Uncertain significance for Hereditary cancer-predisposing syndrome. Last evaluated: 2025-08-20. Review status: criteria provided, single submitter. Criteria: Ambry Variant Classification Scheme 2023. Collection method: clinical testing. Allele origin: germline.
Comment: The p.Q395L variant (also known as c.1184A>T), located in coding exon 14 of the CDC73 gene, results from an A to T substitution at nucleotide position 1184. The glutamine at codon 395 is replaced by leucine, an amino acid with dissimilar properties. This amino acid position is highly conserved in available vertebrate species. In addition, this alteration is predicted to be tolerated by in silico analysis. Since supporting evidence is limited at this time, the clinical significance of this alteration remains unclear.

Blueprint Genetics
Classification: Uncertain significance. Last evaluated: 2023-03-03. Review status: criteria provided, single submitter. Criteria: ACMG Guidelines, 2015. Collection method: clinical testing. Allele origin: germline.

NM_024529.5(CDC73):c.1184A>T (p.Gln395Leu)

Gene: CDC73 (cell division cycle 73; plus strand). Cytogenetic location: 1q31.2.
Variant type: single nucleotide variant.
Coding change: c.1184A>T on transcript NM_024529.5 (MANE Select); coding-DNA position 1184, A replaced by T.
Protein change: p.Gln395Leu; replaces glutamine 395 with leucine.
Molecular consequence: missense variant.
Genome position (GRCh38, 1-based): chr1:193,233,022, A>T. VCF-style: chr1-193233022-A-T. GRCh37 (hg19) VCF-style: chr1-193202152-A-T.
Other names: short protein forms Q395L.
Identifiers: ClinVar variation 1404220 (VCV001404220.14), dbSNP rs374856513, ClinGen allele CA35101350.